The following is an entry in ClinVar:

NM_004429.5(EFNB1):c.325C>T (p.Arg109Cys)

Gene: EFNB1 (ephrin B1; plus strand). Cytogenetic location: Xq13.1.
Variant type: single nucleotide variant.
Coding change: c.325C>T on transcript NM_004429.5 (MANE Select); coding-DNA position 325, C replaced by T.
Protein change: p.Arg109Cys; replaces arginine 109 with cysteine.
Molecular consequence: missense variant.
Genome position (GRCh38, 1-based): chrX:68,838,813, C>T. VCF-style: chrX-68838813-C-T. GRCh37 (hg19) VCF-style: chrX-68058656-C-T.
Other names: short protein forms R109C.
Identifiers: ClinVar variation 3780973 (VCV003780973.1).

ClinVar aggregate classification (germline): Likely pathogenic (1 of 4 stars; one submission).

gnomAD v4.1: 1 of 1,206,277 alleles (0.000083%); highest among the groups gnomAD compares: Non-Finnish European, 0.00011%; no homozygotes.

Submission:

GeneDx
Classification: Likely pathogenic. Last evaluated: 2024-10-15. Review status: criteria provided, single submitter. Criteria: GeneDx Variant Classification Process June 2021. Collection method: clinical testing. Allele origin: germline. Affected: yes.
Comment: Not observed at significant frequency in large population cohorts (gnomAD); In silico analysis supports that this missense variant has a deleterious effect on protein structure/function; This variant is associated with the following publications: (PMID: 27884935, 18627045)